The following is an entry in ClinVar:

NM_004304.5(ALK):c.3743G>C (p.Arg1248Pro)

Gene: ALK (ALK receptor tyrosine kinase; minus strand). Cytogenetic location: 2p23.2.
Variant type: single nucleotide variant.
Coding change: c.3743G>C on transcript NM_004304.5 (MANE Select); coding-DNA position 3743, G replaced by C.
Protein change: p.Arg1248Pro; replaces arginine 1248 with proline.
Molecular consequence: missense variant.
Genome position (GRCh38, 1-based): chr2:29,213,984, C>G on the plus strand (G>C on the coding strand, the complement: ALK is on the minus strand). VCF-style: chr2-29213984-C-G. GRCh37 (hg19) VCF-style: chr2-29436850-C-G.
Other names: c.539G>C, p.Arg180Pro (NM_001353765.2); short protein forms R180P, R1248P.
Identifiers: ClinVar variation 1734493 (VCV001734493.4), dbSNP rs368059424, ClinGen allele CA1593800.

ClinVar aggregate classification (germline): Uncertain significance. Review status: criteria provided, multiple submitters, no conflicts (2 of 4 stars). 2 submissions from 2 submitters: Uncertain significance (2). Last evaluated 2025-12-22.

Conditions:
Hereditary cancer-predisposing syndrome. Also called: Tumor predisposition; Hereditary Cancer Syndrome; Hereditary neoplastic syndrome; Neoplastic Syndromes, Hereditary. Identifiers: Orphanet 140162, MedGen C0027672, MeSH D009386, MONDO:0015356.
Neuroblastoma, susceptibility to, 3. Also called: ALK-Related Neuroblastic Tumor Susceptibility. Identifiers: Orphanet 635, MedGen C2751681, MONDO:0013083, OMIM 613014.

Allele frequency attached by ClinVar (database versions not stated): ESP Exome Variant Server 0.00008.
gnomAD v4.1: 1 of 1,612,872 alleles (0.000062%); highest among the groups gnomAD compares: African/African-American, 0.0013%; no homozygotes.

Submissions (2):

Ambry Genetics
Classification: Uncertain significance for Hereditary cancer-predisposing syndrome. Last evaluated: 2025-12-22. Review status: criteria provided, single submitter. Criteria: Ambry Variant Classification Scheme 2023. Collection method: clinical testing. Allele origin: germline.
Comment: The p.R1248P variant (also known as c.3743G>C), located in coding exon 24 of the ALK gene, results from a G to C substitution at nucleotide position 3743. The arginine at codon 1248 is replaced by proline , an amino acid with dissimilar properties. However, this change occurs in the last base pair of coding exon 24, which makes it likely to have some effect on normal mRNA splicing. The nucleotide and amino acid positions are highly conserved in available vertebrate species. In silico splice site analysis predicts that this alteration may weaken the native splice donor site. In addition, as a missense substitution this alteration is predicted to be deleterious by in silico analysis. Since supporting evidence is limited at this time, the clinical significance of this alteration remains unclear.

Labcorp Genetics (formerly Invitae), Labcorp
Classification: Uncertain significance for Neuroblastoma, susceptibility to, 3. Last evaluated: 2025-08-09. Review status: criteria provided, single submitter. Criteria: Invitae Variant Classification Sherloc (09022015). Collection method: clinical testing. Allele origin: germline.
Comment: This sequence change replaces arginine, which is basic and polar, with proline, which is neutral and non-polar, at codon 1248 of the ALK protein (p.Arg1248Pro). This variant also falls at the last nucleotide of exon 24, which is part of the consensus splice site for this exon. This variant is present in population databases (rs368059424, gnomAD 0.007%). This variant has not been reported in the literature in individuals affected with ALK-related conditions. ClinVar contains an entry for this variant (Variation ID: 1734493). An algorithm developed to predict the effect of missense changes on protein structure and function (PolyPhen-2) suggests that this variant is likely to be disruptive. Variants that disrupt the consensus splice site are a relatively common cause of aberrant splicing (PMID: 17576681, 9536098). In summary, the available evidence is currently insufficient to determine the role of this variant in disease. Therefore, it has been classified as a Variant of Uncertain Significance.

Literature cited by the submitters: PubMed 17576681 (cited by Labcorp Genetics (formerly Invitae), Labcorp); PubMed 9536098 (cited by Labcorp Genetics (formerly Invitae), Labcorp).